The following is an entry in ClinVar:

NM_000245.4(MET):c.4025C>G (p.Ser1342Cys)

Gene: MET (MET proto-oncogene, receptor tyrosine kinase; plus strand). Cytogenetic location: 7q31.2.
Variant type: single nucleotide variant.
Coding change: c.4025C>G on transcript NM_000245.4 (MANE Select); coding-DNA position 4025, C replaced by G.
Protein change: p.Ser1342Cys; replaces serine 1342 with cysteine.
Molecular consequence: missense variant.
Genome position (GRCh38, 1-based): chr7:116,795,976, C>G. VCF-style: chr7-116795976-C-G. GRCh37 (hg19) VCF-style: chr7-116436030-C-G.
Other names: c.4079C>G, p.Ser1360Cys (NM_001127500.3); c.2735C>G, p.Ser912Cys (NM_001324402.2); short protein forms S912C, S1360C, S1342C.
Identifiers: ClinVar variation 1404617 (VCV001404617.11), dbSNP rs2117111729, ClinGen allele CA369118235.

ClinVar aggregate classification (germline): Uncertain significance. Review status: criteria provided, multiple submitters, no conflicts (2 of 4 stars). 2 submissions from 2 submitters: Uncertain significance (2). Last evaluated 2025-06-17.

Conditions:
Renal cell carcinoma. Identifiers: Orphanet 217071, MedGen C0007134, MeSH D002292, MONDO:0005086, HP:0005584.
Hereditary cancer-predisposing syndrome. Also called: Hereditary neoplastic syndrome; Hereditary Cancer Syndrome; Neoplastic Syndromes, Hereditary; Tumor predisposition. Identifiers: Orphanet 140162, MedGen C0027672, MeSH D009386, MONDO:0015356.

Allele frequency attached by ClinVar (database versions not stated): gnomAD exomes below 0.00001.
gnomAD v4.1: 1 of 1,614,148 alleles (0.000062%); highest among the groups gnomAD compares: Non-Finnish European, 0.000085%; no homozygotes.

Submissions (2):

Ambry Genetics
Classification: Uncertain significance for Hereditary cancer-predisposing syndrome. Last evaluated: 2025-06-17. Review status: criteria provided, single submitter. Criteria: Ambry Variant Classification Scheme 2023. Collection method: clinical testing. Allele origin: germline.
Comment: The p.S1360C variant (also known as c.4079C>G), located in coding exon 20 of the MET gene, results from a C to G substitution at nucleotide position 4079. The serine at codon 1360 is replaced by cysteine, an amino acid with dissimilar properties. This amino acid position is highly conserved in available vertebrate species. In addition, the in silico prediction for this alteration is inconclusive. Based on the available evidence, the clinical significance of this variant remains unclear.

Labcorp Genetics (formerly Invitae), Labcorp
Classification: Uncertain significance for Renal cell carcinoma. Last evaluated: 2021-01-20. Review status: criteria provided, single submitter. Criteria: Invitae Variant Classification Sherloc (09022015). Collection method: clinical testing. Allele origin: germline.
Comment: In summary, the available evidence is currently insufficient to determine the role of this variant in disease. Therefore, it has been classified as a Variant of Uncertain Significance. Algorithms developed to predict the effect of missense changes on protein structure and function are either unavailable or do not agree on the potential impact of this missense change (SIFT: "Deleterious"; PolyPhen-2: "Probably Damaging"; Align-GVGD: "Class C15"). This variant has not been reported in the literature in individuals with MET-related conditions. This variant is not present in population databases (ExAC no frequency). This sequence change replaces serine with cysteine at codon 1360 of the MET protein (p.Ser1360Cys). The serine residue is highly conserved and there is a moderate physicochemical difference between serine and cysteine.